The following is an entry in ClinVar:

NM_003052.5(SLC34A1):c.458G>T (p.Gly153Val)

Gene: SLC34A1 (solute carrier family 34 member 1; plus strand). Cytogenetic location: 5q35.3.
Variant type: single nucleotide variant.
Coding change: c.458G>T on transcript NM_003052.5 (MANE Select); coding-DNA position 458, G replaced by T.
Protein change: p.Gly153Val; replaces glycine 153 with valine.
Molecular consequence: missense variant.
Genome position (GRCh38, 1-based): chr5:177,386,492, G>T. VCF-style: chr5-177386492-G-T. GRCh37 (hg19) VCF-style: chr5-176813493-G-T.
Other names: c.458G>T, p.Gly153Val (NM_001167579.2); short protein forms G153V.
Identifiers: ClinVar variation 234927 (VCV000234927.14), dbSNP rs769409705, ClinGen allele CA3580394.
Genomic context (GRCh38, chr5:177,386,492, plus strand): 5'-CTGGTGACATCTTCAAGGATAACGCCATCCTGTCCAACCCGGTGGCCGGGCTGGTGGTGG[G>T]GATCCTGGTGACCGTGCTGGTGCAGAGCTCCAGCACCTCCACATCCATCATCGTCAGCAT-3'
Protein context (NP_003043.3, residues 143-163): LSNPVAGLVV[Gly153Val]ILVTVLVQSS

ClinVar aggregate classification (germline): Pathogenic/Likely pathogenic. Review status: criteria provided, multiple submitters, no conflicts (2 of 4 stars). 7 submissions from 7 submitters: Pathogenic (1); Likely pathogenic (5). 1 of the submissions does not count toward it. Last evaluated 2025-11-21.

Conditions:
Hypercalcemia, infantile, 2 (HCINF2). Identifiers: Orphanet 300547, MedGen C4310473, MONDO:0014851, OMIM 616963.
Hypophosphatemic nephrolithiasis/osteoporosis 1. Identifiers: Orphanet 244305, MedGen C2676786, MONDO:0012850, OMIM 612286.
Fanconi renotubular syndrome 2 (FRTS2). Identifiers: MedGen C3150652, MONDO:0013247, OMIM 613388.
SLC34A1-related disorder. Also called: SLC34A1-related condition; SLC34A1-related disorders.

Allele frequency attached by ClinVar (database versions not stated): ExAC 0.00003.
gnomAD v4.1: 16 of 1,614,070 alleles (0.00099%); highest among the groups gnomAD compares: Middle Eastern, 0.016%; no homozygotes.

Submissions (7):

GeneDx
Classification: Likely pathogenic. Last evaluated: 2025-11-21. Review status: criteria provided, single submitter. Criteria: GeneDx Variant Classification Process June 2021. Collection method: clinical testing. Allele origin: germline.
Comment: Published functional studies demonstrate G153V results in loss of function compared to wildtype (PMID: 26047794); In silico analysis supports that this missense variant has a deleterious effect on protein structure/function; This variant is associated with the following publications: (PMID: 31589614, 26787776, 31188746, 33326653, 26047794, 39700445)

Labcorp Genetics (formerly Invitae), Labcorp
Classification: Likely pathogenic. Last evaluated: 2025-07-23. Review status: criteria provided, single submitter. Criteria: Invitae Variant Classification Sherloc (09022015). Collection method: clinical testing. Allele origin: germline.
Comment: This sequence change replaces glycine, which is neutral and non-polar, with valine, which is neutral and non-polar, at codon 153 of the SLC34A1 protein (p.Gly153Val). This variant is present in population databases (rs769409705, gnomAD 0.004%). This missense change has been observed in individuals with infantile hypercalcemia (PMID: 26047794). ClinVar contains an entry for this variant (Variation ID: 234927). Invitae Evidence Modeling of protein sequence and biophysical properties (such as structural, functional, and spatial information, amino acid conservation, physicochemical variation, residue mobility, and thermodynamic stability) indicates that this missense variant is expected to disrupt SLC34A1 protein function with a positive predictive value of 80%. Experimental studies have shown that this missense change affects SLC34A1 function (PMID: 26047794). This variant disrupts the p.Gly153 amino acid residue in SLC34A1. Other variant(s) that disrupt this residue have been determined to be pathogenic (PMID: 26047794). This suggests that this residue is clinically significant, and that variants that disrupt this residue are likely to be disease-causing. In summary, the currently available evidence indicates that the variant is pathogenic, but additional data are needed to prove that conclusively. Therefore, this variant has been classified as Likely Pathogenic.

MVZ Medizinische Genetik Mainz
Classification: Pathogenic for Hypophosphatemic nephrolithiasis/osteoporosis 1. Last evaluated: 2024-11-05. Review status: criteria provided, single submitter. Criteria: UK Practice Guidelines For Variant Classification V4 01 2020. Collection method: clinical testing. Allele origin: germline. Inheritance: Autosomal dominant inheritance. Affected: yes. Observed: 1 variant allele.
Comment: ACMG Criteria: PS3,PP3_STR,PM5,PS4_SUP,PM2_SUP,PM3_SUP

Genomic Medicine Center of Excellence, King Faisal Specialist Hospital and Research Centre
Classification: Likely pathogenic for Hypercalcemia, infantile, 2. Last evaluated: 2024-03-26. Review status: criteria provided, single submitter. Criteria: ACMG Guidelines, 2015. Collection method: clinical testing. Allele origin: germline.

Fulgent Genetics
Classification: Likely pathogenic for Hypophosphatemic nephrolithiasis/osteoporosis 1; Fanconi renotubular syndrome 2; Hypercalcemia, infantile, 2. Last evaluated: 2021-08-05. Review status: criteria provided, single submitter. Criteria: ACMG Guidelines, 2015. Collection method: clinical testing. Allele origin: unknown.

Illumina Laboratory Services, Illumina
Classification: Likely pathogenic for SLC34A1-Related Disorders. Last evaluated: 2018-11-27. Review status: criteria provided, single submitter. Criteria: ICSL Variant Classification Criteria 09 May 2019. Collection method: clinical testing. Allele origin: germline.
Comment: The SLC34A1 c.458G>T (p.Gly153Val) missense variant has been reported in two studies and is found in a total of three individuals affected with either idiopathic infantile hypercalcemia or hypophosphatemia (Schlingmann et al. 2016; Braun et al. 2016). The three affected individuals include each in a homozygous, compound heterozygous, and heterozygous state. The p.Gly153Val variant was absent from 204 controls and is reported at a frequency of 0.000045 in the European (non-Finnish) population of the Genome Aggregation Database. Functional analysis in Xenopus oocytes showed that wildtype protein induced significant uptake of labeled phosphate, whereas the p.Gly153Val variant did not induce uptake significantly different from that of noninjected control cells. Transiently transfected opossum kidney cells showed complete intracellular retention of mutant protein with no detectable actin colocalization, in contrast to the wild type protein, which localized at the plasma membrane and colocalized with actin (Schlingmann et al. 2016). Based on the collective evidence, the p.Gly153Val variant is classified as likely pathogenic for SLC34A1-related disorders. This variant was observed by ICSL as part of a predisposition screen in an ostensibly healthy population.

OMIM
Classification: Pathogenic for HYPERCALCEMIA, INFANTILE, 2. Last evaluated: 2016-10-06. Review status: no assertion criteria provided. Collection method: literature only. Allele origin: germline. Not counted in ClinVar's aggregate classification.

Literature cited by the submitters: PubMed 26047794 (cited by 3 submitters); PubMed 26787776 (cited by Illumina Laboratory Services, Illumina).